The following is an entry in ClinVar:

ClinVar aggregate classification (germline): Uncertain significance. Review status: criteria provided, multiple submitters, no conflicts (2 of 4 stars). 2 submissions from 2 submitters: Uncertain significance (2). Last evaluated 2025-05-03.

Conditions:
Inborn genetic diseases. Identifiers: MedGen C0950123, MeSH D030342.

gnomAD v4.1: 16 of 1,613,334 alleles (0.00099%); highest among the groups gnomAD compares: Non-Finnish European, 0.0013%; no homozygotes.

Submissions (2):

Ambry Genetics
Classification: Uncertain significance for Inborn genetic diseases. Last evaluated: 2025-05-03. Review status: criteria provided, single submitter. Criteria: Ambry Variant Classification Scheme 2023. Collection method: clinical testing. Allele origin: germline.

Labcorp Genetics (formerly Invitae), Labcorp
Classification: Uncertain significance. Last evaluated: 2021-06-14. Review status: criteria provided, single submitter. Criteria: Invitae Variant Classification Sherloc (09022015). Collection method: clinical testing. Allele origin: germline.
Comment: Algorithms developed to predict the effect of missense changes on protein structure and function output the following: SIFT: "Tolerated"; PolyPhen-2: "Benign"; Align-GVGD: "Class C0". The glutamine amino acid residue is found in multiple mammalian species, suggesting that this missense change does not adversely affect protein function. These predictions have not been confirmed by published functional studies and their clinical significance is uncertain. In summary, the available evidence is currently insufficient to determine the role of this variant in disease. Therefore, it has been classified as a Variant of Uncertain Significance. This variant has not been reported in the literature in individuals with MPDZ-related conditions. This sequence change replaces proline with glutamine at codon 1299 of the MPDZ protein (p.Pro1299Gln). The proline residue is moderately conserved and there is a moderate physicochemical difference between proline and glutamine. This variant is not present in population databases (ExAC no frequency).

NM_001378778.1(MPDZ):c.3896C>A (p.Pro1299Gln)

Gene: MPDZ (multiple PDZ domain crumbs cell polarity complex component; minus strand). Cytogenetic location: 9p23.
Variant type: single nucleotide variant.
Coding change: c.3896C>A on transcript NM_001378778.1 (MANE Select); coding-DNA position 3896, C replaced by A.
Protein change: p.Pro1299Gln; replaces proline 1299 with glutamine.
Molecular consequence: missense variant.
Genome position (GRCh38, 1-based): chr9:13,140,094, G>T on the plus strand (C>A on the coding strand, the complement: MPDZ is on the minus strand). VCF-style: chr9-13140094-G-T. GRCh37 (hg19) VCF-style: chr9-13140093-G-T.
Other names: c.3896C>A (NM_003829.3); c.3797C>A, p.Pro1266Gln (NM_001261406.2, NM_001261407.2, NM_001375416.1 and 3 more transcripts); c.3896C>A, p.Pro1299Gln (NM_001330637.2, NM_001375413.1, NM_003829.5); c.3686C>A, p.Pro1229Gln (NM_001375420.1, NM_001375421.1, NM_001375422.1 and 4 more transcripts); c.3488C>A, p.Pro1163Gln (NM_001375427.1); short protein forms P1229Q, P1163Q, P1266Q, P1299Q.
Identifiers: ClinVar variation 1499535 (VCV001499535.9), dbSNP rs187434398, ClinGen allele CA189300537.